The following is an entry in ClinVar:

ClinVar aggregate classification (germline): Uncertain significance (1 of 4 stars; one submission).

Submission:

GeneDx
Classification: Uncertain significance. Last evaluated: 2024-04-25. Review status: criteria provided, single submitter. Criteria: GeneDx Variant Classification Process June 2021. Collection method: clinical testing. Allele origin: germline. Affected: yes.
Comment: Not observed at significant frequency in large population cohorts (gnomAD); In silico analysis supports that this missense variant has a deleterious effect on protein structure/function; Missense variant in a gene in which most reported pathogenic variants are truncating/loss of function; Has not been previously published as pathogenic or benign to our knowledge

NM_004006.3(DMD):c.1024G>A (p.Asp342Asn)

Gene: DMD (dystrophin; minus strand). Cytogenetic location: Xp21.1.
Variant type: single nucleotide variant.
Coding change: c.1024G>A on transcript NM_004006.3 (MANE Select); coding-DNA position 1024, G replaced by A.
Protein change: p.Asp342Asn; replaces aspartic acid 342 with asparagine.
Molecular consequence: missense variant.
Genome position (GRCh38, 1-based): chrX:32,645,089, C>T on the plus strand (G>A on the coding strand, the complement: DMD is on the minus strand). VCF-style: chrX-32645089-C-T. GRCh37 (hg19) VCF-style: chrX-32663206-C-T.
Other names: c.1000G>A, p.Asp334Asn (NM_000109.4); c.1012G>A, p.Asp338Asn (NM_004009.3); c.655G>A, p.Asp219Asn (NM_004010.3); short protein forms D219N, D334N, D338N, D342N.
Identifiers: ClinVar variation 3373159 (VCV003373159.1).